The following is an entry in ClinVar:

ClinVar aggregate classification (germline): Uncertain significance. Review status: criteria provided, multiple submitters, no conflicts (2 of 4 stars). 2 submissions from 2 submitters: Uncertain significance (2). Last evaluated 2022-10-26.

Conditions:
Spondyloperipheral dysplasia. Also called: SPONDYLOPERIPHERAL DYSPLASIA WITH SHORT ULNA; Spondyloperipheral dysplasia-short ulna syndrome. Identifiers: Orphanet 1856, MedGen C0796173, MONDO:0010078, OMIM 271700.

Allele frequency attached by ClinVar (database versions not stated): gnomAD exomes below 0.00001.
gnomAD v4.1: 5 of 1,613,754 alleles (0.00031%); highest among the groups gnomAD compares: South Asian, 0.0011%; no homozygotes.

Submissions (2):

Labcorp Genetics (formerly Invitae), Labcorp
Classification: Uncertain significance. Last evaluated: 2022-10-26. Review status: criteria provided, single submitter. Criteria: Invitae Variant Classification Sherloc (09022015). Collection method: clinical testing. Allele origin: germline.
Comment: In summary, the available evidence is currently insufficient to determine the role of this variant in disease. Therefore, it has been classified as a Variant of Uncertain Significance. Advanced modeling of protein sequence and biophysical properties (such as structural, functional, and spatial information, amino acid conservation, physicochemical variation, residue mobility, and thermodynamic stability) has been performed at Invitae for this missense variant, however the output from this modeling did not meet the statistical confidence thresholds required to predict the impact of this variant on COL2A1 protein function. ClinVar contains an entry for this variant (Variation ID: 1705640). This variant has not been reported in the literature in individuals affected with COL2A1-related conditions. This variant is not present in population databases (gnomAD no frequency). This sequence change replaces arginine, which is basic and polar, with glutamine, which is neutral and polar, at codon 209 of the COL2A1 protein (p.Arg209Gln).

3billion
Classification: Uncertain significance for Spondyloperipheral dysplasia. Last evaluated: 2022-09-01. Review status: criteria provided, single submitter. Criteria: ACMG Guidelines, 2015. Collection method: clinical testing. Allele origin: germline. Affected: yes. Observed: 1 heterozygote.
Comment: The variant is not observed in the gnomAD v2.1.1 dataset. Therefore, this variant is classified as uncertain significance according to the recommendation of ACMG/AMP guideline.

NM_001844.5(COL2A1):c.626G>A (p.Arg209Gln)

Gene: COL2A1 (collagen type II alpha 1 chain; minus strand). Cytogenetic location: 12q13.11.
Variant type: single nucleotide variant.
Coding change: c.626G>A on transcript NM_001844.5 (MANE Select); coding-DNA position 626, G replaced by A.
Protein change: p.Arg209Gln; replaces arginine 209 with glutamine.
Molecular consequence: missense variant.
Genome position (GRCh38, 1-based): chr12:47,995,903, C>T on the plus strand (G>A on the coding strand, the complement: COL2A1 is on the minus strand). VCF-style: chr12-47995903-C-T. GRCh37 (hg19) VCF-style: chr12-48389686-C-T.
Other names: c.419G>A, p.Arg140Gln (NM_033150.3); short protein forms R140Q, R209Q.
Identifiers: ClinVar variation 1705640 (VCV001705640.6), dbSNP rs2136619088, ClinGen allele CA384523929.
Genomic context (GRCh38, chr12:47,995,903, plus strand): 5'-CGATGGAGGCAAAAAGAATTGCAGATACTTACAGGAGCACCTGCAGGGCCTGGAGGTCCT[C>T]GAGGTCCCATGGGGCCCTGCATCGGAACAGAAAATGAGGGGTTTACTACACATGCTTCCT-3'
Protein context (NP_001835.3, residues 199-219): MQGPMGPMGP[Arg209Gln]GPPGPAGAPG